The following is an entry in ClinVar:

NM_001290060.2(SEMA3B):c.107A>G (p.Gln36Arg)

Gene: SEMA3B (semaphorin 3B; plus strand). Cytogenetic location: 3p21.31.
Variant type: single nucleotide variant.
Coding change: c.107A>G on transcript NM_001290060.2 (MANE Select); coding-DNA position 107, A replaced by G.
Protein change: p.Gln36Arg; replaces glutamine 36 with arginine.
Molecular consequence: missense variant.
Genome position (GRCh38, 1-based): chr3:50,269,347, A>G. VCF-style: chr3-50269347-A-G. GRCh37 (hg19) VCF-style: chr3-50306778-A-G.
Other names: c.107A>G, p.Gln36Arg (NM_001005914.3, NM_001290061.1, NM_001435956.1 and 3 more transcripts); short protein forms Q36R.
Identifiers: ClinVar variation 4997797 (VCV004997797.1).

ClinVar aggregate classification (germline): Uncertain significance (1 of 4 stars; one submission).

Conditions:
SEMA3B-related disorder. Also called: SEMA3B-related condition.

gnomAD v4.1: 5 of 1,489,128 alleles (0.00034%); highest among the groups gnomAD compares: Non-Finnish European, 0.00045%; no homozygotes.

Submission:

PreventionGenetics, part of Exact Sciences
Classification: Uncertain significance for SEMA3B-related condition. Last evaluated: 2025-01-07. Review status: criteria provided, single submitter. Criteria: ACMG Guidelines, 2015. Collection method: clinical testing. Allele origin: germline.
Comment: The SEMA3B c.107A>G variant is predicted to result in the amino acid substitution p.Gln36Arg. To our knowledge, this variant has not been reported in the literature or in a large population database (gnomAD), indicating this variant is rare. At this time, the clinical significance of this variant is uncertain due to the absence of conclusive functional and genetic evidence.